The following is an entry in ClinVar:

ClinVar aggregate classification (germline): Uncertain significance. Review status: criteria provided, multiple submitters, no conflicts (2 of 4 stars). 3 submissions from 3 submitters: Uncertain significance (3). Last evaluated 2024-02-20.

Conditions:
Hereditary nonpolyposis colorectal neoplasms. Identifiers: MedGen C0009405, MeSH D003123.
Hereditary cancer-predisposing syndrome. Also called: Tumor predisposition; Hereditary Cancer Syndrome; Hereditary neoplastic syndrome; Neoplastic Syndromes, Hereditary. Identifiers: Orphanet 140162, MedGen C0027672, MeSH D009386, MONDO:0015356.
Lynch syndrome. Identifiers: Orphanet 144, MedGen C4552100, MONDO:0005835. Disease mechanism: loss of function.

Submissions (3):

Ambry Genetics
Classification: Uncertain significance for Hereditary cancer-predisposing syndrome. Last evaluated: 2024-02-20. Review status: criteria provided, single submitter. Criteria: Ambry Variant Classification Scheme 2023. Collection method: clinical testing. Allele origin: germline.
Comment: The p.H388P variant (also known as c.1163A>C), located in coding exon 4 of the MSH6 gene, results from an A to C substitution at nucleotide position 1163. The histidine at codon 388 is replaced by proline, an amino acid with similar properties. This amino acid position is not well conserved in available vertebrate species. In addition, the in silico prediction for this alteration is inconclusive. Since supporting evidence is limited at this time, the clinical significance of this alteration remains unclear.

All of Us Research Program, National Institutes of Health
Classification: Uncertain significance for Lynch syndrome. Last evaluated: 2023-12-13. Review status: criteria provided, single submitter. Criteria: ACMG Guidelines, 2015. Collection method: clinical testing. Allele origin: germline. Inheritance: Autosomal dominant inheritance. Observed: 2 variant alleles, 2 heterozygotes.
Comment: This missense variant replaces histidine with proline at codon 388 of the MSH6 protein. Computational prediction is inconclusive regarding the impact of this variant on protein structure and function (internally defined REVEL score threshold 0.5 < inconclusive < 0.7, PMID: 27666373). To our knowledge, functional studies have not been reported for this variant. This variant has not been reported in individuals affected with MSH6-related disorders in the literature. This variant has not been identified in the general population by the Genome Aggregation Database (gnomAD). The available evidence is insufficient to determine the role of this variant in disease conclusively. Therefore, this variant is classified as a Variant of Uncertain Significance.

This study involves interpretation of variants in research participants for the purpose of population health screening. Participant phenotype was not available at the time of variant classification. Additional details can be found in publication PMID: 35346344, PMCID: PMC8962531

Labcorp Genetics (formerly Invitae), Labcorp
Classification: Uncertain significance for Hereditary nonpolyposis colorectal neoplasms. Last evaluated: 2021-09-20. Review status: criteria provided, single submitter. Criteria: Invitae Variant Classification Sherloc (09022015). Collection method: clinical testing. Allele origin: germline.
Comment: This sequence change replaces histidine with proline at codon 388 of the MSH6 protein (p.His388Pro). The histidine residue is weakly conserved and there is a moderate physicochemical difference between histidine and proline. This variant is not present in population databases (ExAC no frequency). This variant has not been reported in the literature in individuals affected with MSH6-related conditions. Algorithms developed to predict the effect of missense changes on protein structure and function are either unavailable or do not agree on the potential impact of this missense change (SIFT: "Tolerated"; PolyPhen-2: "Probably Damaging"; Align-GVGD: "Class C0"). In summary, the available evidence is currently insufficient to determine the role of this variant in disease. Therefore, it has been classified as a Variant of Uncertain Significance.

NM_000179.3(MSH6):c.1163A>C (p.His388Pro)

Gene: MSH6 (mutS homolog 6; plus strand). Cytogenetic location: 2p16.3.
Variant type: single nucleotide variant.
Coding change: c.1163A>C on transcript NM_000179.3 (MANE Select); coding-DNA position 1163, A replaced by C.
Protein change: p.His388Pro; replaces histidine 388 with proline.
Molecular consequence: missense variant.
Genome position (GRCh38, 1-based): chr2:47,799,146, A>C. VCF-style: chr2-47799146-A-C. GRCh37 (hg19) VCF-style: chr2-48026285-A-C.
Other names: c.773A>C, p.His258Pro (NM_001281492.2); c.257A>C, p.His86Pro (NM_001281493.2, NM_001281494.2); short protein forms H388P, H86P, H258P.
Identifiers: ClinVar variation 183954 (VCV000183954.13), dbSNP rs786201185, ClinGen allele CA008186.
Genomic context (GRCh38, chr2:47,799,146, plus strand): 5'-AAACTTTAGAATGGCTTAAGGAGGAAAAGAGAAGAGATGAGCACAGGAGGAGGCCTGATC[A>C]CCCCGATTTTGATGCATCTACACTCTATGTGCCTGAGGATTTCCTCAATTCTTGTACTCC-3'
Protein context (NP_000170.1, residues 378-398): RRDEHRRRPD[His388Pro]PDFDASTLYV